The following is an entry in ClinVar:

ClinVar aggregate classification (germline): Conflicting classifications of pathogenicity. Review status: criteria provided, conflicting classifications (1 of 4 stars). 2 submissions from 2 submitters: Uncertain significance (1); Likely benign (1). Last evaluated 2025-11-26.

Conditions:
Von Hippel-Lindau syndrome (VHLS). Also called: Von Hippel-Lindau; VHL syndrome; von Hippel–Lindau syndrome. Identifiers: Orphanet 892, MedGen C0019562, MONDO:0008667, OMIM 193300. Disease mechanism: loss of function.
Chuvash polycythemia. Also called: POLYCYTHEMIA, VHL-DEPENDENT. Identifiers: Orphanet 238557, MedGen C1837915, MONDO:0009892, OMIM 263400.
Hereditary cancer-predisposing syndrome. Also called: Hereditary neoplastic syndrome; Neoplastic Syndromes, Hereditary; Tumor predisposition; Hereditary Cancer Syndrome. Identifiers: Orphanet 140162, MedGen C0027672, MeSH D009386, MONDO:0015356.

Submissions (2):

Labcorp Genetics (formerly Invitae), Labcorp
Classification: Uncertain significance for Von Hippel-Lindau syndrome; Chuvash polycythemia. Last evaluated: 2025-11-26. Review status: criteria provided, single submitter. Criteria: Invitae Variant Classification Sherloc (09022015). Collection method: clinical testing. Allele origin: germline.
Comment: This sequence change replaces asparagine, which is neutral and polar, with lysine, which is basic and polar, at codon 193 of the VHL protein (p.Asn193Lys). This variant is not present in population databases (gnomAD no frequency). This variant has not been reported in the literature in individuals affected with VHL-related conditions. ClinVar contains an entry for this variant (Variation ID: 411968). Invitae Evidence Modeling of protein sequence and biophysical properties (such as structural, functional, and spatial information, amino acid conservation, physicochemical variation, residue mobility, and thermodynamic stability) has been performed for this missense variant. However, the output from this modeling did not meet the statistical confidence thresholds required to predict the impact of this variant on VHL protein function. In summary, the available evidence is currently insufficient to determine the role of this variant in disease. Therefore, it has been classified as a Variant of Uncertain Significance.

Ambry Genetics
Classification: Likely benign for Hereditary cancer-predisposing syndrome. Last evaluated: 2025-04-04. Review status: criteria provided, single submitter. Criteria: Ambry Variant Classification Scheme 2023. Collection method: clinical testing. Allele origin: germline.

Literature cited by the submitters: PubMed 38969834 (cited by Ambry Genetics).

NM_000551.4(VHL):c.579T>A (p.Asn193Lys)

Genes: VHL (von Hippel-Lindau tumor suppressor; plus strand), LOC107303340 (3p25 von Hippel-Lindau tumor suppressor, E3 ubiquitin protein ligase Alu-mediated recombination region; plus strand). Cytogenetic location: 3p25.3.
Variant type: single nucleotide variant.
Coding change: c.579T>A on transcript NM_000551.4 (MANE Select); coding-DNA position 579, T replaced by A.
Protein change: p.Asn193Lys; replaces asparagine 193 with lysine.
Molecular consequence: missense variant. On other transcripts: 3 prime UTR variant (1).
Genome position (GRCh38, 1-based): chr3:10,149,902, T>A. VCF-style: chr3-10149902-T-A. GRCh37 (hg19) VCF-style: chr3-10191586-T-A.
Other names: c.*133T>A (NM_001354723.2); c.456T>A, p.Asn152Lys (NM_198156.3); short protein forms N193K, N152K.
Identifiers: ClinVar variation 411968 (VCV000411968.10), dbSNP rs1060503558, ClinGen allele CA16611097.
Genomic context (GRCh38, chr3:10,149,902, plus strand): 5'-GAATTACAGGAGACTGGACATCGTCAGGTCGCTCTACGAAGATCTGGAAGACCACCCAAA[T>A]GTGCAGAAAGACCTGGAGCGGCTGACACAGGAGCGCATTGCACATCAACGGATGGGAGAT-3'
Protein context (NP_000542.1, residues 183-203): SLYEDLEDHP[Asn193Lys]VQKDLERLTQ